The following is an entry in ClinVar:

NM_000038.6(APC):c.4884G>C (p.Lys1628Asn)

Gene: APC (APC regulator of Wnt signaling pathway; plus strand). Cytogenetic location: 5q22.2.
Variant type: single nucleotide variant.
Coding change: c.4884G>C on transcript NM_000038.6 (MANE Select); coding-DNA position 4884, G replaced by C.
Protein change: p.Lys1628Asn; replaces lysine 1628 with asparagine.
Molecular consequence: missense variant.
Genome position (GRCh38, 1-based): chr5:112,840,478, G>C. VCF-style: chr5-112840478-G-C. GRCh37 (hg19) VCF-style: chr5-112176175-G-C.
Other names: c.4884G>C, p.Lys1628Asn (NM_001127510.3, NM_001354895.2, NM_001407450.1); c.4830G>C, p.Lys1610Asn (NM_001127511.3); c.4938G>C, p.Lys1646Asn (NM_001354896.2, NM_001407447.1, NM_001407448.1 and 1 more transcripts); c.4914G>C, p.Lys1638Asn (NM_001354897.2); c.4809G>C, p.Lys1603Asn (NM_001354898.2); c.4800G>C, p.Lys1600Asn (NM_001354899.2); c.4761G>C, p.Lys1587Asn (NM_001354900.2); c.4707G>C, p.Lys1569Asn (NM_001354901.2, NM_001407453.1); and 11 more; short protein forms K1468N, K1499N, K1502N, K1545N, K1569N, K1587N, K1610N, K1618N.
Identifiers: ClinVar variation 1743809 (VCV001743809.2), dbSNP rs908764017, ClinGen allele CA16032034.
Genomic context (GRCh38, chr5:112,840,478, plus strand): 5'-ACCAAGTCAGCTGCCTGTGTACAAACTTCTACCATCACAAAACAGGTTGCAACCCCAAAA[G>C]CATGTTAGTTTTACACCGGGGGATGATATGCCACGGGTGTATTGTGTTGAAGGGACACCT-3'
Protein context (NP_000029.2, residues 1618-1638): LPSQNRLQPQ[Lys1628Asn]HVSFTPGDDM

ClinVar aggregate classification (germline): Uncertain significance (1 of 4 stars; one submission).

Conditions:
Hereditary cancer-predisposing syndrome. Also called: Hereditary Cancer Syndrome; Neoplastic Syndromes, Hereditary; Tumor predisposition; Hereditary neoplastic syndrome. Identifiers: Orphanet 140162, MedGen C0027672, MeSH D009386, MONDO:0015356.

Submission:

Ambry Genetics
Classification: Uncertain significance for Hereditary cancer-predisposing syndrome. Last evaluated: 2021-02-01. Review status: criteria provided, single submitter. Criteria: Ambry Variant Classification Scheme 2023. Collection method: clinical testing. Allele origin: germline.
Comment: The p.K1628N variant (also known as c.4884G>C), located in coding exon 15 of the APC gene, results from a G to C substitution at nucleotide position 4884. The lysine at codon 1628 is replaced by asparagine, an amino acid with similar properties. This amino acid position is highly conserved in available vertebrate species. In addition, in silico predictors for this gene do not accurately predict pathogenicity. Since supporting evidence is limited at this time, the clinical significance of this alteration remains unclear.